The following is an entry in ClinVar:

NM_004329.3(BMPR1A):c.611A>T (p.Glu204Val)

Gene: BMPR1A (bone morphogenetic protein receptor type 1A; plus strand). Cytogenetic location: 10q23.2.
Variant type: single nucleotide variant.
Coding change: c.611A>T on transcript NM_004329.3 (MANE Select); coding-DNA position 611, A replaced by T.
Protein change: p.Glu204Val; replaces glutamic acid 204 with valine.
Molecular consequence: missense variant.
Genome position (GRCh38, 1-based): chr10:86,912,320, A>T. VCF-style: chr10-86912320-A-T. GRCh37 (hg19) VCF-style: chr10-88672077-A-T.
Other names: c.686A>T, p.Glu229Val (NM_001406559.1); c.659A>T, p.Glu220Val (NM_001406560.1); c.611A>T, p.Glu204Val (NM_001406561.1, NM_001406562.1, NM_001406563.1 and 20 more transcripts); c.527A>T, p.Glu176Val (NM_001406584.1, NM_001406585.1, NM_001406586.1 and 2 more transcripts); short protein forms E176V, E204V, E220V, E229V.
Identifiers: ClinVar variation 1751711 (VCV001751711.2), dbSNP rs2539573462, ClinGen allele CA377454769.
Genomic context (GRCh38, chr10:86,912,320, plus strand): 5'-CAAGCAGACGTCGTTACAATCGTGATTTGGAACAGGATGAAGCATTTATTCCAGTTGGAG[A>T]ATCACTAAAAGACCTTATTGACCAGTCACAAAGTTCTGGTAGTGGGTCTGGACTACCTTT-3'
Protein context (NP_004320.2, residues 194-214): EQDEAFIPVG[Glu204Val]SLKDLIDQSQ

ClinVar aggregate classification (germline): Uncertain significance (1 of 4 stars; one submission).

Conditions:
Hereditary cancer-predisposing syndrome. Also called: Hereditary Cancer Syndrome; Hereditary neoplastic syndrome; Neoplastic Syndromes, Hereditary; Tumor predisposition. Identifiers: Orphanet 140162, MedGen C0027672, MeSH D009386, MONDO:0015356.

Submission:

Ambry Genetics
Classification: Uncertain significance for Hereditary cancer-predisposing syndrome. Last evaluated: 2022-02-07. Review status: criteria provided, single submitter. Criteria: Ambry Variant Classification Scheme 2023. Collection method: clinical testing. Allele origin: germline.
Comment: The p.E204V variant (also known as c.611A>T), located in coding exon 6 of the BMPR1A gene, results from an A to T substitution at nucleotide position 611. The glutamic acid at codon 204 is replaced by valine, an amino acid with dissimilar properties. This amino acid position is conserved. In addition, this alteration is predicted to be deleterious by in silico analysis. Since supporting evidence is limited at this time, the clinical significance of this alteration remains unclear.